The following is an entry in ClinVar:

NM_012200.4(B3GAT3):c.436C>T (p.Arg146Trp)

Gene: B3GAT3 (beta-1,3-glucuronyltransferase 3; minus strand). Cytogenetic location: 11q12.3.
Variant type: single nucleotide variant.
Coding change: c.436C>T on transcript NM_012200.4 (MANE Select); coding-DNA position 436, C replaced by T.
Protein change: p.Arg146Trp; replaces arginine 146 with tryptophan.
Molecular consequence: missense variant. On other transcripts: non-coding transcript variant (1).
Genome position (GRCh38, 1-based): chr11:62,617,169, G>A on the plus strand (C>T on the coding strand, the complement: B3GAT3 is on the minus strand). VCF-style: chr11-62617169-G-A. GRCh37 (hg19) VCF-style: chr11-62384641-G-A.
Other names: c.415C>T, p.Arg139Trp (NM_001288721.2); c.436C>T, p.Arg146Trp (NM_001288722.2, NM_001288723.2); short protein forms R139W, R146W.
Identifiers: ClinVar variation 1301426 (VCV001301426.6), dbSNP rs566214939, ClinGen allele CA6050119.

ClinVar aggregate classification (germline): Uncertain significance. Review status: criteria provided, multiple submitters, no conflicts (2 of 4 stars). 3 submissions from 3 submitters: Uncertain significance (3). Last evaluated 2025-03-25.

Conditions:
Larsen-like syndrome, B3GAT3 type. Also called: Multiple joint dislocations, short stature, craniofacial dysmorphism, with or without congenital heart defects; MULTIPLE JOINT DISLOCATIONS, SHORT STATURE, AND CRANIOFACIAL DYSMORPHISM WITH OR WITHOUT CONGENITAL HEART DEFECTS. Identifiers: Orphanet 284139, MedGen CN034159, MONDO:0009511, OMIM 245600.

Allele frequency attached by ClinVar (database versions not stated): ExAC 0.00004; gnomAD exomes 0.00004 and 0.00010; TOPMed 0.00004; gnomAD 0.00006 and 0.00007; 1000 Genomes Project 0.00020; 1000 Genomes Project 30x 0.00031.
gnomAD v4.1: 153 of 1,613,906 alleles (0.0095%); highest among the groups gnomAD compares: Non-Finnish European, 0.012%; no homozygotes.

Submissions (3):

GeneDx
Classification: Uncertain significance. Last evaluated: 2025-03-25. Review status: criteria provided, single submitter. Criteria: GeneDx Variant Classification Process June 2021. Collection method: clinical testing. Allele origin: germline. Affected: yes.
Comment: Has not been previously published as pathogenic or benign to our knowledge; Not observed at significant frequency in large population cohorts (gnomAD); In silico analysis supports that this missense variant has a deleterious effect on protein structure/function

Blueprint Genetics
Classification: Uncertain significance. Last evaluated: 2024-09-19. Review status: criteria provided, single submitter. Criteria: ACMG Guidelines, 2015. Collection method: clinical testing. Allele origin: germline.

Labcorp Genetics (formerly Invitae), Labcorp
Classification: Uncertain significance for Larsen-like syndrome, B3GAT3 type. Last evaluated: 2022-06-20. Review status: criteria provided, single submitter. Criteria: Invitae Variant Classification Sherloc (09022015). Collection method: clinical testing. Allele origin: germline.
Comment: This sequence change replaces arginine, which is basic and polar, with tryptophan, which is neutral and slightly polar, at codon 146 of the B3GAT3 protein (p.Arg146Trp). This variant is present in population databases (rs566214939, gnomAD 0.009%). This variant has not been reported in the literature in individuals affected with B3GAT3-related conditions. ClinVar contains an entry for this variant (Variation ID: 1301426). Algorithms developed to predict the effect of missense changes on protein structure and function are either unavailable or do not agree on the potential impact of this missense change (SIFT: "Deleterious"; PolyPhen-2: "Possibly Damaging"; Align-GVGD: "Class C0"). In summary, the available evidence is currently insufficient to determine the role of this variant in disease. Therefore, it has been classified as a Variant of Uncertain Significance.